The following is an entry in ClinVar:

ClinVar aggregate classification (germline): Likely pathogenic (1 of 4 stars; one submission).

Submission:

Labcorp Genetics (formerly Invitae), Labcorp
Classification: Likely pathogenic. Last evaluated: 2025-05-27. Review status: criteria provided, single submitter. Criteria: Invitae Variant Classification Sherloc (09022015). Collection method: clinical testing. Allele origin: germline.
Comment: This sequence change affects a donor splice site in intron 3 of the PAX1 gene. It is expected to disrupt RNA splicing. Variants that disrupt the donor or acceptor splice site typically lead to a loss of protein function (PMID: 16199547), and loss-of-function variants in PAX1 are known to be pathogenic (PMID: 1889089, 23851939, 28657137, 29681087). This variant is not present in population databases (gnomAD no frequency). This variant has not been reported in the literature in individuals affected with PAX1-related conditions. Algorithms developed to predict the effect of sequence changes on RNA splicing suggest that this variant may disrupt the consensus splice site. In summary, the currently available evidence indicates that the variant is pathogenic, but additional data are needed to prove that conclusively. Therefore, this variant has been classified as Likely Pathogenic.

Literature cited by the submitters: PubMed 16199547; PubMed 1889089; PubMed 23851939; PubMed 28657137; PubMed 29681087.

NM_001257096.2(PAX1):c.1059+2T>C

Gene: PAX1 (paired box 1; plus strand). Cytogenetic location: 20p11.22.
Variant type: single nucleotide variant.
Coding change: c.1059+2T>C on transcript NM_001257096.2 (MANE Select); the canonical splice donor site of the intron after coding-DNA position 1059, T replaced by C.
Molecular consequence: splice donor variant.
Genome position (GRCh38, 1-based): chr20:21,708,702, T>C. VCF-style: chr20-21708702-T-C. GRCh37 (hg19) VCF-style: chr20-21689340-T-C.
Other names: c.1059+2T>C (NM_006192.5).
Identifiers: ClinVar variation 4720080 (VCV004720080.1).